The following is an entry in ClinVar:

ClinVar aggregate classification (germline): Uncertain significance (1 of 4 stars; one submission).

Allele frequency attached by ClinVar (database versions not stated): gnomAD 0.00001; TOPMed 0.00001.
gnomAD v4.1: 9 of 1,570,584 alleles (0.00057%); highest among the groups gnomAD compares: Non-Finnish European, 0.00078%; no homozygotes.

Submission:

Labcorp Genetics (formerly Invitae), Labcorp
Classification: Uncertain significance. Last evaluated: 2024-02-23. Review status: criteria provided, single submitter. Criteria: Invitae Variant Classification Sherloc (09022015). Collection method: clinical testing. Allele origin: germline.
Comment: This sequence change replaces histidine, which is basic and polar, with glutamine, which is neutral and polar, at codon 17 of the NDUFV2 protein (p.His17Gln). This variant is present in population databases (rs764178231, gnomAD 0.002%). This variant has not been reported in the literature in individuals affected with NDUFV2-related conditions. ClinVar contains an entry for this variant (Variation ID: 1400211). Algorithms developed to predict the effect of missense changes on protein structure and function output the following: SIFT: "Not Available"; PolyPhen-2: "Benign"; Align-GVGD: "Not Available". The glutamine amino acid residue is found in multiple mammalian species, which suggests that this missense change does not adversely affect protein function. In summary, the available evidence is currently insufficient to determine the role of this variant in disease. Therefore, it has been classified as a Variant of Uncertain Significance.

NM_021074.5(NDUFV2):c.51C>G (p.His17Gln)

Gene: NDUFV2 (NADH:ubiquinone oxidoreductase core subunit V2; plus strand). Cytogenetic location: 18p11.22.
Variant type: single nucleotide variant.
Coding change: c.51C>G on transcript NM_021074.5 (MANE Select); coding-DNA position 51, C replaced by G.
Protein change: p.His17Gln; replaces histidine 17 with glutamine.
Molecular consequence: missense variant.
Genome position (GRCh38, 1-based): chr18:9,102,794, C>G. VCF-style: chr18-9102794-C-G. GRCh37 (hg19) VCF-style: chr18-9102792-C-G.
Other names: short protein forms H17Q.
Identifiers: ClinVar variation 1400211 (VCV001400211.6), dbSNP rs764178231, ClinGen allele CA8887036.